The following is an entry in ClinVar:

ClinVar aggregate classification (germline): Benign/Likely benign. Review status: criteria provided, multiple submitters, no conflicts (2 of 4 stars). 15 submissions from 14 submitters: Benign (9); Likely benign (4). 2 of the submissions do not count toward it. Last evaluated 2026-09-01.

Conditions:
Polyps, multiple and recurrent inflammatory fibroid, gastrointestinal. Identifiers: MedGen C5193005, MONDO:0008285, OMIM 175510.
Hereditary cancer-predisposing syndrome. Also called: Neoplastic Syndromes, Hereditary; Hereditary neoplastic syndrome; Hereditary Cancer Syndrome; Tumor predisposition. Identifiers: Orphanet 140162, MedGen C0027672, MeSH D009386, MONDO:0015356.
Gastrointestinal stromal tumor. Also called: Gastrointestinal stromal tumor, somatic; Gastrointestinal stroma tumor. Identifiers: Orphanet 44890, MedGen C0238198, MeSH D046152, MONDO:0011719, OMIM 606764, HP:0100723.
Idiopathic hypereosinophilic syndrome (HES). Identifiers: Orphanet 3260, MedGen C0206141, MONDO:0011895, OMIM 607685. Disease mechanism: gain of function.

Allele frequency attached by ClinVar (database versions not stated): TOPMed 0.00763; ESP Exome Variant Server 0.01030; 1000 Genomes Project 0.00399; ExAC 0.00875; gnomAD 0.00897 and 0.00881; 1000 Genomes Project 30x 0.00422; gnomAD exomes 0.00888 and 0.01276.
gnomAD v4.1: 19,830 of 1,614,138 alleles (1.2%); highest among the groups gnomAD compares: Non-Finnish European, 1.5%; 152 homozygotes.

Submissions (15):

CeGaT Center for Human Genetics Tuebingen
Classification: Benign. Last evaluated: 2026-09-01. Review status: criteria provided, single submitter. Criteria: CeGaT Center For Human Genetics Tuebingen Variant Classification Criteria Version 2. Collection method: clinical testing. Allele origin: germline. Affected: yes. Observed: 154 variant alleles.
Comment: PDGFRA: BS1, BS2

Myriad Genetics, Inc.
Classification: Likely benign for Polyps, multiple and recurrent inflammatory fibroid, gastrointestinal. Last evaluated: 2026-06-12. Review status: criteria provided, single submitter. Criteria: Myriad Autosomal Dominant, Autosomal Recessive and X-Linked Classification Criteria (2023). Collection method: clinical testing. Allele origin: unknown.
Comment: This variant is considered likely benign. This variant has been observed at a population frequency that is significantly greater than expected given the associated disease prevalence and penetrance.

Labcorp Genetics (formerly Invitae), Labcorp
Classification: Benign for Gastrointestinal stromal tumor. Last evaluated: 2026-02-04. Review status: criteria provided, single submitter. Criteria: Invitae Variant Classification Sherloc (09022015). Collection method: clinical testing. Allele origin: germline.

ARUP Laboratories, Molecular Genetics and Genomics, ARUP Laboratories
Classification: Benign. Last evaluated: 2025-07-15. Review status: criteria provided, single submitter. Criteria: ARUP Molecular Germline Variant Investigation Process 2024. Collection method: clinical testing. Allele origin: germline.

Mayo Clinic Laboratories, Mayo Clinic
Classification: Likely benign. Last evaluated: 2025-03-24. Review status: criteria provided, single submitter. Criteria: ACMG Guidelines, 2015. Collection method: clinical testing. Allele origin: germline. Observed: 13 variant alleles.
Comment: BS1, BP6

Center for Genomic Medicine, Rigshospitalet, Copenhagen University Hospital
Classification: Benign. Last evaluated: 2025-03-04. Review status: criteria provided, single submitter. Criteria: ACMG Guidelines, 2015. Collection method: clinical testing. Allele origin: germline.

Sema4
Classification: Benign for Hereditary cancer-predisposing syndrome. Last evaluated: 2021-05-11. Review status: criteria provided, single submitter. Criteria: Sema4 Curation Guidelines. Collection method: curation. Allele origin: germline.

Ambry Genetics
Classification: Benign for Hereditary cancer-predisposing syndrome. Last evaluated: 2019-03-26. Review status: criteria provided, single submitter. Criteria: Ambry Variant Classification Scheme 2023. Collection method: clinical testing. Allele origin: germline.

GeneDx
Classification: Benign. Last evaluated: 2019-03-22. Review status: criteria provided, single submitter. Criteria: GeneDx Variant Classification Process June 2021. Collection method: clinical testing. Allele origin: germline. Affected: yes.
Comment: This variant is associated with the following publications: (PMID: 28192086, 19755855, 24728327, 22703879, 17344846, 29205322)

Illumina Laboratory Services, Illumina
Classification: Benign for Gastrointestinal stromal tumor. Last evaluated: 2018-01-13. Review status: criteria provided, single submitter. Criteria: ICSL Variant Classification Criteria 13 December 2019. Collection method: clinical testing. Allele origin: germline.
Comment: This variant was observed in the ICSL laboratory as part of a predisposition screen in an ostensibly healthy population. It had not been previously curated by ICSL or reported in the Human Gene Mutation Database (HGMD: prior to June 1st, 2018), and was therefore a candidate for classification through an automated scoring system. Utilizing variant allele frequency, disease prevalence and penetrance estimates, and inheritance mode, an automated score was calculated to assess if this variant is too frequent to cause the disease. Based on the score and internal cut-off values, a variant classified as benign is not then subjected to further curation. The score for this variant resulted in a classification of benign for this disease.

Illumina Laboratory Services, Illumina
Classification: Benign for Idiopathic hypereosinophilic syndrome. Last evaluated: 2018-01-13. Review status: criteria provided, single submitter. Criteria: ICSL Variant Classification Criteria 13 December 2019. Collection method: clinical testing. Allele origin: germline.
Comment: the same text as in the submission from Illumina Laboratory Services, Illumina above.

Vantari Genetics
Classification: Likely benign for Hereditary cancer-predisposing syndrome. Last evaluated: 2016-01-29. Review status: criteria provided, single submitter. Criteria: ACMG Guidelines, 2015. Collection method: clinical testing. Allele origin: germline.

Breakthrough Genomics
Classification: Likely benign. Review status: criteria provided, single submitter. Criteria: ACMG Guidelines, 2015. Collection method: not provided. Allele origin: germline. Inheritance: Autosomal dominant inheritance. Affected: yes.

ITMI
No classification provided. Condition: AllHighlyPenetrant. Last evaluated: 2013-09-19. Review status: no classification provided. Collection method: reference population. Allele origin: germline. Not counted in ClinVar's aggregate classification.
Comment: Please see associated publication for description of ethnicities

Biesecker Lab/Clinical Genomics Section, National Institutes of Health
Classification: Benign. Last evaluated: 2012-07-13. Review status: no assertion criteria provided. Collection method: research. Allele origin: germline. Affected: no. Observed: 20 variant alleles. Study: ClinSeq. Not counted in ClinVar's aggregate classification.
ClinVar note: Converted during submission from no known pathogenicity to Benign.

Literature cited by the submitters: PubMed 24728327 (cited by ITMI).

NM_006206.6(PDGFRA):c.236G>A (p.Gly79Asp)

Gene: PDGFRA (platelet derived growth factor receptor alpha; plus strand). Cytogenetic location: 4q12.
Variant type: single nucleotide variant.
Coding change: c.236G>A on transcript NM_006206.6 (MANE Select); coding-DNA position 236, G replaced by A.
Protein change: p.Gly79Asp; replaces glycine 79 with aspartic acid.
Molecular consequence: missense variant.
Genome position (GRCh38, 1-based): chr4:54,261,281, G>A. VCF-style: chr4-54261281-G-A. GRCh37 (hg19) VCF-style: chr4-55127448-G-A.
Other names: c.236G>A, p.Gly79Asp (NM_001347827.2, NM_001347829.2); c.311G>A, p.Gly104Asp (NM_001347828.2); c.275G>A, p.Gly92Asp (NM_001347830.2); short protein forms G79D, G92D, G104D.
Identifiers: ClinVar variation 41797 (VCV000041797.51), dbSNP rs36035373, ClinGen allele CA161435.
Genomic context (GRCh38, chr4:54,261,281, plus strand): 5'-ACCCCATGTCTGAAGAAGAGAGCTCCGATGTGGAAATCAGAAATGAAGAAAACAACAGCG[G>A]CCTTTTTGTGACGGTCTTGGAAGTGAGCAGTGCCTCGGCGGCCCACACAGGGTTGTACAC-3'
Protein context (NP_006197.1, residues 69-89): VEIRNEENNS[Gly79Asp]LFVTVLEVSS